The following is an entry in ClinVar:

ClinVar aggregate classification (germline): Uncertain significance. Review status: criteria provided, multiple submitters, no conflicts (2 of 4 stars). 3 submissions from 3 submitters: Uncertain significance (3). Last evaluated 2025-08-13.

Conditions:
Cardiovascular phenotype. Identifiers: MedGen CN230736.
Hypertrophic cardiomyopathy. Also called: HYPERTROPHIC MYOCARDIOPATHY. Identifiers: Orphanet 217569, MedGen C0007194, MeSH D002312, MONDO:0005045, HP:0001639.
Cardiomyopathy (CMYO). Also called: Cardiomyopathies. Identifiers: Orphanet 167848, MedGen C0878544, MONDO:0004994, HP:0001638. Inheritance: Various modes of inheritance.

gnomAD v4.1: 2 of 1,613,704 alleles (0.00012%); highest among the groups gnomAD compares: African/African-American, 0.0027%; no homozygotes.

Submissions (3):

Labcorp Genetics (formerly Invitae), Labcorp
Classification: Uncertain significance for Hypertrophic cardiomyopathy. Last evaluated: 2025-08-13. Review status: criteria provided, single submitter. Criteria: Invitae Variant Classification Sherloc (09022015). Collection method: clinical testing. Allele origin: germline.
Comment: This sequence change replaces glutamic acid, which is acidic and polar, with aspartic acid, which is acidic and polar, at codon 1827 of the MYH7 protein (p.Glu1827Asp). This variant is present in population databases (no rsID available, gnomAD 0.01%). This variant has not been reported in the literature in individuals affected with MYH7-related conditions. ClinVar contains an entry for this variant (Variation ID: 1747809). Invitae Evidence Modeling of protein sequence and biophysical properties (such as structural, functional, and spatial information, amino acid conservation, physicochemical variation, residue mobility, and thermodynamic stability) indicates that this missense variant is not expected to disrupt MYH7 protein function with a negative predictive value of 95%. In summary, the available evidence is currently insufficient to determine the role of this variant in disease. Therefore, it has been classified as a Variant of Uncertain Significance.

All of Us Research Program, National Institutes of Health
Classification: Uncertain significance for Cardiomyopathy. Last evaluated: 2024-05-09. Review status: criteria provided, single submitter. Criteria: ACMG Guidelines, 2015. Collection method: clinical testing. Allele origin: germline. Inheritance: Autosomal dominant inheritance. Observed: 1 variant allele, 1 heterozygote.
Comment: This study involves interpretation of variants in research participants for the purpose of population health screening. Participant phenotype was not available at the time of variant classification. Additional details can be found in publication PMID: 35346344, PMCID: PMC8962531

Ambry Genetics
Classification: Uncertain significance for Cardiovascular phenotype. Last evaluated: 2020-10-09. Review status: criteria provided, single submitter. Criteria: Ambry Variant Classification Scheme 2023. Collection method: clinical testing. Allele origin: germline.
Comment: The p.E1827D variant (also known as c.5481G>T), located in coding exon 35 of the MYH7 gene, results from a G to T substitution at nucleotide position 5481. The glutamic acid at codon 1827 is replaced by aspartic acid, an amino acid with highly similar properties. This amino acid position is highly conserved in available vertebrate species. In addition, this alteration is predicted to be tolerated by in silico analysis. Since supporting evidence is limited at this time, the clinical significance of this alteration remains unclear.

NM_000257.4(MYH7):c.5481G>T (p.Glu1827Asp)

Gene: MYH7 (myosin heavy chain 7; minus strand). Cytogenetic location: 14q11.2.
Variant type: single nucleotide variant.
Coding change: c.5481G>T on transcript NM_000257.4 (MANE Select); coding-DNA position 5481, G replaced by T.
Protein change: p.Glu1827Asp; replaces glutamic acid 1827 with aspartic acid.
Molecular consequence: missense variant.
Genome position (GRCh38, 1-based): chr14:23,415,073, C>A on the plus strand (G>T on the coding strand, the complement: MYH7 is on the minus strand). VCF-style: chr14-23415073-C-A. GRCh37 (hg19) VCF-style: chr14-23884282-C-A.
Other names: c.5481G>T, p.Glu1827Asp (NM_001407004.1); short protein forms E1827D.
Identifiers: ClinVar variation 1747809 (VCV001747809.8), dbSNP rs368848344, ClinGen allele CA389035198.